The following is an entry in ClinVar:

NM_005343.4(HRAS):c.234C>T (p.Phe78=)

Genes: HRAS (HRas proto-oncogene, GTPase; minus strand), LRRC56 (leucine rich repeat containing 56; plus strand). Cytogenetic location: 11p15.5.
Variant type: single nucleotide variant.
Coding change: c.234C>T on transcript NM_005343.4 (MANE Select); coding-DNA position 234, C replaced by T.
Protein change: p.Phe78=; no amino-acid change (phenylalanine 78 retained).
Molecular consequence: synonymous variant. On other transcripts: 5 prime UTR variant (1).
Genome position (GRCh38, 1-based): chr11:533,822, G>A on the plus strand (C>T on the coding strand, the complement: HRAS is on the minus strand). VCF-style: chr11-533822-G-A. GRCh37 (hg19) VCF-style: chr11-533822-G-A.
Other names: c.234C>T, p.Phe78= (NM_001130442.3, NM_176795.5); c.-86C>T (NM_001318054.2).
Identifiers: ClinVar variation 387714 (VCV000387714.9), dbSNP rs1057522882, ClinGen allele CA16605950.

ClinVar aggregate classification (germline): Likely benign. Review status: criteria provided, multiple submitters, no conflicts (2 of 4 stars). 2 submissions from 2 submitters: Likely benign (2). Last evaluated 2021-07-08.

Conditions:
Costello syndrome (CSTLO). Also called: FACIOCUTANEOSKELETAL SYNDROME; FCS SYNDROME; HRAS-Related Costello Syndrome. Identifiers: Orphanet 3071, MedGen C0587248, MONDO:0009026, OMIM 218040.

Submissions (2):

Labcorp Genetics (formerly Invitae), Labcorp
Classification: Likely benign for Costello syndrome. Last evaluated: 2021-07-08. Review status: criteria provided, single submitter. Criteria: Invitae Variant Classification Sherloc (09022015). Collection method: clinical testing. Allele origin: germline.

GeneDx
Classification: Likely benign. Last evaluated: 2016-07-14. Review status: criteria provided, single submitter. Criteria: GeneDx Variant Classification (06012015). Collection method: clinical testing. Allele origin: germline. Affected: yes.
Comment: This variant is considered likely benign or benign based on one or more of the following criteria: it is a conservative change, it occurs at a poorly conserved position in the protein, it is predicted to be benign by multiple in silico algorithms, and/or has population frequency not consistent with disease.